The following is an entry in ClinVar:

NM_033026.6(PCLO):c.248+4T>G

Gene: PCLO (piccolo presynaptic cytomatrix protein; minus strand). Cytogenetic location: 7q21.11.
Variant type: single nucleotide variant.
Coding change: c.248+4T>G on transcript NM_033026.6 (MANE Select); 4 bases into the intron after coding-DNA position 248, T replaced by G.
Molecular consequence: intron variant.
Genome position (GRCh38, 1-based): chr7:83,162,341, A>C on the plus strand (T>G on the coding strand, the complement: PCLO is on the minus strand). VCF-style: chr7-83162341-A-C. GRCh37 (hg19) VCF-style: chr7-82791657-A-C.
Other names: c.248+4T>G (NM_014510.3).
Identifiers: ClinVar variation 2002852 (VCV002002852.4), dbSNP rs2116713352, ClinGen allele CA2580077429.

ClinVar aggregate classification (germline): Uncertain significance (1 of 4 stars; one submission).

Submission:

Labcorp Genetics (formerly Invitae), Labcorp
Classification: Uncertain significance. Last evaluated: 2022-06-08. Review status: criteria provided, single submitter. Criteria: Invitae Variant Classification Sherloc (09022015). Collection method: clinical testing. Allele origin: germline.
Comment: This variant is not present in population databases (gnomAD no frequency). This variant has not been reported in the literature in individuals affected with PCLO-related conditions. Variants that disrupt the consensus splice site are a relatively common cause of aberrant splicing (PMID: 17576681, 9536098). Algorithms developed to predict the effect of sequence changes on RNA splicing suggest that this variant is not likely to affect RNA splicing. In summary, the available evidence is currently insufficient to determine the role of this variant in disease. Therefore, it has been classified as a Variant of Uncertain Significance. This sequence change falls in intron 1 of the PCLO gene. It does not directly change the encoded amino acid sequence of the PCLO protein. It affects a nucleotide within the consensus splice site.

Literature cited by the submitters: PubMed 17576681; PubMed 9536098.